The following is an entry in ClinVar:

NM_002230.4(JUP):c.1642C>G (p.Gln548Glu)

Gene: JUP (junction plakoglobin; minus strand). Cytogenetic location: 17q21.2.
Variant type: single nucleotide variant.
Coding change: c.1642C>G on transcript NM_002230.4 (MANE Select); coding-DNA position 1642, C replaced by G.
Protein change: p.Gln548Glu; replaces glutamine 548 with glutamic acid.
Molecular consequence: missense variant.
Genome position (GRCh38, 1-based): chr17:41,758,726, G>C on the plus strand (C>G on the coding strand, the complement: JUP is on the minus strand). VCF-style: chr17-41758726-G-C. GRCh37 (hg19) VCF-style: chr17-39914978-G-C.
Other names: c.1642C>G, p.Gln548Glu (NM_001352773.2, NM_001352774.2, NM_001352775.2 and 3 more transcripts); short protein forms Q548E.
Identifiers: ClinVar variation 2177943 (VCV002177943.5), dbSNP rs782728300, ClinGen allele CA8565174.

ClinVar aggregate classification (germline): Uncertain significance. Review status: criteria provided, multiple submitters, no conflicts (2 of 4 stars). 2 submissions from 2 submitters: Uncertain significance (2). Last evaluated 2025-02-22.

Conditions:
Naxos disease (NXD). Also called: WOOLLY HAIR, PALMOPLANTAR KERATODERMA, AND CARDIAC ABNORMALITIES; CARDIOMYOPATHY, ARRHYTHMOGENIC RIGHT VENTRICULAR, WITH SKIN, HAIR, AND NAIL ABNORMALITIES; KERATOSIS PALMOPLANTARIS WITH ARRHYTHMOGENIC CARDIOMYOPATHY; MAL DE NAXOS; PALMOPLANTAR KERATODERMA WITH ARRHYTHMOGENIC RIGHT VENTRICULAR CARDIOMYOPATHY AND WOOLLY HAIR. Identifiers: Orphanet 34217, MedGen C1832600, MONDO:0011017, OMIM 601214.
Arrhythmogenic right ventricular dysplasia 12. Also called: ARRHYTHMOGENIC RIGHT VENTRICULAR DYSPLASIA, FAMILIAL, 12. Identifiers: MedGen C1969081, MONDO:0012684, OMIM 611528.
Cardiovascular phenotype. Identifiers: MedGen CN230736.

Allele frequency attached by ClinVar (database versions not stated): ExAC 0.00001; gnomAD 0.00001; TOPMed 0.00002.
gnomAD v4.1: 2 of 1,601,478 alleles (0.00012%); highest among the groups gnomAD compares: African/African-American, 0.0027%; no homozygotes.

Submissions (2):

Labcorp Genetics (formerly Invitae), Labcorp
Classification: Uncertain significance for Arrhythmogenic right ventricular dysplasia 12; Naxos disease. Last evaluated: 2025-02-22. Review status: criteria provided, single submitter. Criteria: Invitae Variant Classification Sherloc (09022015). Collection method: clinical testing. Allele origin: germline.
Comment: This sequence change replaces glutamine, which is neutral and polar, with glutamic acid, which is acidic and polar, at codon 548 of the JUP protein (p.Gln548Glu). This variant is not present in population databases (gnomAD no frequency). This variant has not been reported in the literature in individuals affected with JUP-related conditions. ClinVar contains an entry for this variant (Variation ID: 2177943). An algorithm developed to predict the effect of missense changes on protein structure and function (PolyPhen-2) suggests that this variant is likely to be tolerated. In summary, the available evidence is currently insufficient to determine the role of this variant in disease. Therefore, it has been classified as a Variant of Uncertain Significance.

Ambry Genetics
Classification: Uncertain significance for Cardiovascular phenotype. Last evaluated: 2024-03-08. Review status: criteria provided, single submitter. Criteria: Ambry Variant Classification Scheme 2023. Collection method: clinical testing. Allele origin: germline.
Comment: The p.Q548E variant (also known as c.1642C>G), located in coding exon 8 of the JUP gene, results from a C to G substitution at nucleotide position 1642. The glutamine at codon 548 is replaced by glutamic acid, an amino acid with highly similar properties. This amino acid position is conserved. In addition, the in silico prediction for this alteration is inconclusive. Based on the available evidence, the clinical significance of this alteration remains unclear.